The following is an entry in ClinVar:

ClinVar aggregate classification (germline): Uncertain significance (1 of 4 stars; one submission).

Conditions:
Autosomal dominant osteopetrosis 1 (OPTA1). Also called: OSTEOPETROSIS, AUTOSOMAL DOMINANT, TYPE I. Identifiers: Orphanet 2783, MedGen C1843330, MONDO:0011877, OMIM 607634.

Submission:

Dasa
Classification: Uncertain significance for Autosomal dominant osteopetrosis 1. Last evaluated: 2025-06-28. Review status: criteria provided, single submitter. Criteria: DASA Assertion Criteria. Collection method: clinical testing. Allele origin: germline.
Comment: NM_002335.4(LRP5):c.1355T>C (p.Ile452Thr) is a missense variant that results in the substitution of isoleucine with threonine. This variant is absent from population databases. Computational prediction algorithms are consistent with a deleterious effect. The currently available literature and clinical evidence are not sufficient to establish a definitive association between this variant and the reported condition. Therefore, this variant is classified as a variant of uncertain significance.

NM_002335.4(LRP5):c.1355T>C (p.Ile452Thr)

Gene: LRP5 (LDL receptor related protein 5; plus strand). Cytogenetic location: 11q13.2.
Variant type: single nucleotide variant.
Coding change: c.1355T>C on transcript NM_002335.4 (MANE Select); coding-DNA position 1355, T replaced by C.
Protein change: p.Ile452Thr; replaces isoleucine 452 with threonine.
Molecular consequence: missense variant. On other transcripts: 5 prime UTR variant (1).
Genome position (GRCh38, 1-based): chr11:68,386,655, T>C. VCF-style: chr11-68386655-T-C. GRCh37 (hg19) VCF-style: chr11-68154123-T-C.
Other names: c.-411T>C (NM_001291902.2); short protein forms I452T.
Identifiers: ClinVar variation 4882698 (VCV004882698.2).